The following is an entry in ClinVar:

NM_138927.4(SON):c.1206G>A (p.Val402=)

Gene: SON (SON DNA and RNA binding protein; plus strand). Cytogenetic location: 21q22.11.
Variant type: single nucleotide variant.
Coding change: c.1206G>A on transcript NM_138927.4 (MANE Select); coding-DNA position 1206, G replaced by A.
Protein change: p.Val402=; no amino-acid change (valine 402 retained).
Molecular consequence: synonymous variant. On other transcripts: non-coding transcript variant (1), intron variant (1).
Genome position (GRCh38, 1-based): chr21:33,550,437, G>A. VCF-style: chr21-33550437-G-A. GRCh37 (hg19) VCF-style: chr21-34922743-G-A.
Other names: c.1206G>A, p.Val402= (NM_001291411.2, NM_032195.3); c.244+4058G>A (NM_001291412.3).
Identifiers: ClinVar variation 4872879 (VCV004872879.2).

ClinVar aggregate classification (germline): Likely benign (1 of 4 stars; one submission).

Submission:

CeGaT Center for Human Genetics Tuebingen
Classification: Likely benign. Last evaluated: 2026-04-01. Review status: criteria provided, single submitter. Criteria: CeGaT Center For Human Genetics Tuebingen Variant Classification Criteria Version 2. Collection method: clinical testing. Allele origin: germline. Affected: yes. Observed: 1 variant allele.
Comment: SON: PM2:Supporting, BP4, BP7